The following is an entry in ClinVar:

ClinVar aggregate classification (germline): Uncertain significance. Review status: criteria provided, multiple submitters, no conflicts (2 of 4 stars). 3 submissions from 3 submitters: Uncertain significance (3). Last evaluated 2025-05-27.

Conditions:
Noonan syndrome 2 (NS2). Identifiers: Orphanet 648, MedGen C1854469, MONDO:0011531, OMIM 605275.
LZTR1-related schwannomatosis. Also called: Schwannomatosis 2; Schwannomatosis-2, susceptibility to. Identifiers: Orphanet 93921, MedGen C3810283, MONDO:0014299, OMIM 615670.
Noonan syndrome 10 (NS10). Identifiers: Orphanet 648, MedGen C4225280, MONDO:0014693, OMIM 616564.
Hereditary cancer-predisposing syndrome. Also called: Hereditary Cancer Syndrome; Tumor predisposition; Neoplastic Syndromes, Hereditary; Hereditary neoplastic syndrome. Identifiers: Orphanet 140162, MedGen C0027672, MeSH D009386, MONDO:0015356.
Cardiovascular phenotype. Identifiers: MedGen CN230736.

Allele frequency attached by ClinVar (database versions not stated): gnomAD exomes 0.00001 and 0.00002; ExAC 0.00002.
gnomAD v4.1: 11 of 1,613,766 alleles (0.00068%); highest among the groups gnomAD compares: Non-Finnish European, 0.00085%; no homozygotes.

Submissions (3):

Labcorp Genetics (formerly Invitae), Labcorp
Classification: Uncertain significance. Last evaluated: 2025-05-27. Review status: criteria provided, single submitter. Criteria: Invitae Variant Classification Sherloc (09022015). Collection method: clinical testing. Allele origin: germline.
Comment: This sequence change replaces aspartic acid, which is acidic and polar, with asparagine, which is neutral and polar, at codon 703 of the LZTR1 protein (p.Asp703Asn). This variant is present in population databases (rs778230140, gnomAD 0.004%). This variant has not been reported in the literature in individuals affected with LZTR1-related conditions. ClinVar contains an entry for this variant (Variation ID: 848015). Invitae Evidence Modeling of protein sequence and biophysical properties (such as structural, functional, and spatial information, amino acid conservation, physicochemical variation, residue mobility, and thermodynamic stability) indicates that this missense variant is not expected to disrupt LZTR1 protein function with a negative predictive value of 80%. In summary, the available evidence is currently insufficient to determine the role of this variant in disease. Therefore, it has been classified as a Variant of Uncertain Significance.

Ambry Genetics
Classification: Uncertain significance for Cardiovascular phenotype; Hereditary cancer-predisposing syndrome. Last evaluated: 2025-03-31. Review status: criteria provided, single submitter. Criteria: Ambry Variant Classification Scheme 2023. Collection method: clinical testing. Allele origin: germline.
Comment: The p.D703N variant (also known as c.2107G>A), located in coding exon 18 of the LZTR1 gene, results from a G to A substitution at nucleotide position 2107. The aspartic acid at codon 703 is replaced by asparagine, an amino acid with highly similar properties. This amino acid position is highly conserved in available vertebrate species. In addition, this alteration is predicted to be tolerated by in silico analysis. Based on the available evidence, the clinical significance of this variant remains unclear.

Juno Genomics, Hangzhou Juno Genomics, Inc
Classification: Uncertain significance for LZTR1-related schwannomatosis; Noonan syndrome 10; Noonan syndrome 2. Review status: criteria provided, single submitter. Criteria: ACMG Guidelines, 2015. Collection method: clinical testing. Allele origin: germline.
Comment: Absent from controls (or at extremely low frequency if recessive) in Genome Aggregation Database.;Multiple lines of computational evidence support a deleterious effect on the gene or gene product.

Literature cited by the submitters: PubMed 36008825 (cited by Ambry Genetics).

NM_006767.4(LZTR1):c.2107G>A (p.Asp703Asn)

Gene: LZTR1 (leucine zipper like post translational regulator 1; plus strand). Cytogenetic location: 22q11.21.
Variant type: single nucleotide variant.
Coding change: c.2107G>A on transcript NM_006767.4 (MANE Select); coding-DNA position 2107, G replaced by A.
Protein change: p.Asp703Asn; replaces aspartic acid 703 with asparagine.
Molecular consequence: missense variant.
Genome position (GRCh38, 1-based): chr22:20,996,000, G>A. VCF-style: chr22-20996000-G-A. GRCh37 (hg19) VCF-style: chr22-21350289-G-A.
Other names: short protein forms D703N.
Identifiers: ClinVar variation 848015 (VCV000848015.12), dbSNP rs778230140, ClinGen allele CA10119248.